The following is an entry in ClinVar:

ClinVar aggregate classification (germline): Uncertain significance (1 of 4 stars; one submission).

Conditions:
Primary open angle glaucoma (POAG). Also called: OPTN-related open angle glaucoma. Identifiers: MedGen C0339573, MONDO:0100553, OMIM 137760.
Amyotrophic lateral sclerosis type 12 (ALS12). Also called: AMYOTROPHIC LATERAL SCLEROSIS 12 WITH OR WITHOUT FRONTOTEMPORAL DEMENTIA. Identifiers: Orphanet 803, MedGen C3150692, MONDO:0013264, OMIM 613435.
Glaucoma 1, open angle, E. Identifiers: MedGen C1842026, MONDO:0007665.

Allele frequency attached by ClinVar (database versions not stated): gnomAD exomes below 0.00001; ExAC 0.00001; TOPMed 0.00001; gnomAD 0.00002; 1000 Genomes Project 30x 0.00016; 1000 Genomes Project 0.00020.
gnomAD v4.1: 5 of 1,614,126 alleles (0.00031%); highest among the groups gnomAD compares: South Asian, 0.0011%; no homozygotes.

Submission:

Labcorp Genetics (formerly Invitae), Labcorp
Classification: Uncertain significance for Primary open angle glaucoma; Glaucoma 1, open angle, E; Amyotrophic lateral sclerosis type 12. Last evaluated: 2024-07-01. Review status: criteria provided, single submitter. Criteria: Invitae Variant Classification Sherloc (09022015). Collection method: clinical testing. Allele origin: germline.
Comment: This sequence change replaces lysine, which is basic and polar, with arginine, which is basic and polar, at codon 440 of the OPTN protein (p.Lys440Arg). This variant is present in population databases (rs577925671, gnomAD 0.003%). This variant has not been reported in the literature in individuals affected with OPTN-related conditions. Advanced modeling of protein sequence and biophysical properties (such as structural, functional, and spatial information, amino acid conservation, physicochemical variation, residue mobility, and thermodynamic stability) performed at Invitae indicates that this missense variant is not expected to disrupt OPTN protein function with a negative predictive value of 80%. In summary, the available evidence is currently insufficient to determine the role of this variant in disease. Therefore, it has been classified as a Variant of Uncertain Significance.

NM_001008212.2(OPTN):c.1319A>G (p.Lys440Arg)

Gene: OPTN (optineurin; plus strand). Cytogenetic location: 10p13.
Variant type: single nucleotide variant.
Coding change: c.1319A>G on transcript NM_001008212.2 (MANE Select); coding-DNA position 1319, A replaced by G.
Protein change: p.Lys440Arg; replaces lysine 440 with arginine.
Molecular consequence: missense variant.
Genome position (GRCh38, 1-based): chr10:13,127,821, A>G. VCF-style: chr10-13127821-A-G. GRCh37 (hg19) VCF-style: chr10-13169821-A-G.
Other names: c.1319A>G, p.Lys440Arg (NM_001008211.1, NM_001008213.1, NM_021980.4); short protein forms K440R.
Identifiers: ClinVar variation 2946962 (VCV002946962.3), dbSNP rs577925671, ClinGen allele CA5410936.
Genomic context (GRCh38, chr10:13,127,821, plus strand): 5'-GGGCAGTGCTGAAGGAACTGAGTGAAAAACTGGAACTGGCAGAGAAGGCTCTGGCTTCCA[A>G]ACAGCTGCAAATGGATGAAATGAAGCAAACCATTGCCAAGCAGGAAGAGGACCTGGAAAC-3'
Protein context (NP_001008213.1, residues 430-450): LELAEKALAS[Lys440Arg]QLQMDEMKQT